The following is an entry in ClinVar:

ClinVar aggregate classification (germline): Likely benign (1 of 4 stars; one submission).

Allele frequency attached by ClinVar (database versions not stated): 1000 Genomes Project 0.01258; 1000 Genomes Project 30x 0.01390; gnomAD 0.01182 and 0.01270; TOPMed 0.01331.

Submission:

GeneDx
Classification: Likely benign. Last evaluated: 2018-06-14. Review status: criteria provided, single submitter. Criteria: GeneDx Variant Classification (06012015). Collection method: clinical testing. Allele origin: germline. Affected: yes.
Comment: This variant is considered likely benign or benign based on one or more of the following criteria: it is a conservative change, it occurs at a poorly conserved position in the protein, it is predicted to be benign by multiple in silico algorithms, and/or has population frequency not consistent with disease.

NM_000540.2(RYR1):c.-431C>A

Gene: RYR1 (ryanodine receptor 1; plus strand). Cytogenetic location: 19q13.2.
Variant type: single nucleotide variant.
Coding change: c.-431C>A on transcript NM_000540.2; 431 bases upstream of the start codon, C replaced by A.
Genome position (GRCh38, 1-based): chr19:38,433,399, C>A. VCF-style: chr19-38433399-C-A. GRCh37 (hg19) VCF-style: chr19-38924039-C-A.
Identifiers: ClinVar variation 671167 (VCV000671167.3), dbSNP rs76751392, ClinGen allele CA308101251.